The following is an entry in ClinVar:

ClinVar aggregate classification (germline): Uncertain significance (1 of 4 stars; one submission).

Conditions:
Atypical hemolytic-uremic syndrome. Identifiers: Orphanet 2134, MedGen C2931788, MONDO:0016244.

Submission:

Genomenon, Inc
Classification: Uncertain significance for Atypical hemolytic-uremic syndrome. Last evaluated: 2025-09-26. Review status: criteria provided, single submitter. Criteria: Genomenon Sequence Variant Interpretation Standards - Updated. Collection method: curation. Allele origin: germline. Affected: yes.
Comment: DGKE p.Thr550MetfsTer13 (c.1647_1650del) is a frameshift variant that results in the production of a truncated protein. This variant has been observed in at least one proband affected with atypical hemolytic-uremic syndrome (PMID:32386968). It is absent or not present at a significant frequency in gnomAD. In conclusion, we classify DGKE p.Thr550MetfsTer13 (c.1647_1650del) as a variant of uncertain significance.

Literature cited by the submitters: PubMed 32386968.

NM_003647.3(DGKE):c.1647_1650del (p.Thr550fs)

Gene: DGKE (diacylglycerol kinase epsilon; plus strand). Cytogenetic location: 17q22.
Variant type: Microsatellite.
Coding change: c.1647_1650del on transcript NM_003647.3 (MANE Select); coding-DNA positions 1647 to 1650, 4 bases deleted (AACA; older notation c.1647_1650delAACA).
Protein change: p.Thr550fs; shifts the reading frame from threonine 550.
Molecular consequence: frameshift variant.
Genome position (GRCh38, 1-based): chr17:56,862,734-56,862,737, AACA deleted; deleting any 4 consecutive bases within chr17:56,862,730-56,862,737 gives the same sequence; the c. name uses the placement nearest the transcript's 3' end. VCF-style (leftmost placement, unchanged base first): chr17-56862729-GAACA-G. GRCh37 (hg19) VCF-style: chr17-54940090-GAACA-G.
Other names: short protein forms T550fs.
Identifiers: ClinVar variation 4280385 (VCV004280385.1).